The following is an entry in ClinVar:

ClinVar aggregate classification (germline): Uncertain significance (1 of 4 stars; one submission).

Allele frequency attached by ClinVar (database versions not stated): TOPMed 0.00001.

Submission:

GeneDx
Classification: Uncertain significance. Last evaluated: 2022-04-18. Review status: criteria provided, single submitter. Criteria: GeneDx Variant Classification Process June 2021. Collection method: clinical testing. Allele origin: germline. Affected: yes.
Comment: Not observed at significant frequency in large population cohorts (gnomAD); In silico analysis supports that this missense variant has a deleterious effect on protein structure/function; Has not been previously published as pathogenic or benign to our knowledge

NM_001100427.2(RAP1GDS1):c.350G>A (p.Cys117Tyr)

Gene: RAP1GDS1 (Rap1 GTPase-GDP dissociation stimulator 1; plus strand). Cytogenetic location: 4q23.
Variant type: single nucleotide variant.
Coding change: c.350G>A on transcript NM_001100427.2 (MANE Select); coding-DNA position 350, G replaced by A.
Protein change: p.Cys117Tyr; replaces cysteine 117 with tyrosine.
Molecular consequence: missense variant.
Genome position (GRCh38, 1-based): chr4:98,352,590, G>A. VCF-style: chr4-98352590-G-A. GRCh37 (hg19) VCF-style: chr4-99273741-G-A.
Other names: c.353G>A, p.Cys118Tyr (NM_001100426.2, NM_001100428.2, NM_001100430.2 and 1 more transcripts); c.350G>A, p.Cys117Tyr (NM_001100429.2); short protein forms C117Y, C118Y.
Identifiers: ClinVar variation 1712885 (VCV001712885.2), dbSNP rs1737379505, ClinGen allele CA357531761.
Genomic context (GRCh38, chr4:98,352,590, plus strand): 5'-TGCTAAATAGCAAAGACCAGGAAGTGCTGCTTCAAACGGGCAGGGCTCTAGGAAACATAT[G>A]TTACGATAGCCGTAAGTGTTGACATCTCAATAATACACATACATTTTTAAGAATTATGAT-3'
Protein context (NP_001093897.1, residues 107-127): LQTGRALGNI[Cys117Tyr]YDSHEGRSAV